The following is an entry in ClinVar:

ClinVar aggregate classification (germline): Uncertain significance (1 of 4 stars; one submission).

Conditions:
Neurodevelopmental disorder. Identifiers: MedGen C1535926, MeSH D065886, MONDO:0700092.

Submission:

Victorian Clinical Genetics Services, Murdoch Childrens Research Institute
Classification: Uncertain significance for Neurodevelopmental disorder. Last evaluated: 2019-08-28. Review status: criteria provided, single submitter. Criteria: ACMG Guidelines, 2015. Collection method: clinical testing. Allele origin: germline. Inheritance: Autosomal dominant inheritance. Affected: yes.
Comment: A heterozygous missense variant was identified, NM_020791.2(TAOK1):c.289C>T in exon 4 of 20 of the TAOK1 gene. This substitution is predicted to create a major amino acid change from arginine to cysteine at position 97 of the protein, NP_065842.1(TAOK1):p.(Arg97Cys). The arginine at this position is conserved in mammals and birds (100 vertebrates, UCSC), and is located within the protein kinase functional domain. In silico software predicts this variant to be disease causing (Polyphen, SIFT, CADD, Mutation Taster). The variant is not present in the gnomAD population database. The variant has not been previously reported in a clinical testing setting. Based on information available at the time of curation, this variant has been classified as a VARIANT of UNCERTAIN SIGNIFICANCE (VUS) with POTENTIAL CLINICAL RELEVANCE.

NM_020791.4(TAOK1):c.289C>T (p.Arg97Cys)

Gene: TAOK1 (TAO kinase 1; plus strand). Cytogenetic location: 17q11.2.
Variant type: single nucleotide variant.
Coding change: c.289C>T on transcript NM_020791.4 (MANE Select); coding-DNA position 289, C replaced by T.
Protein change: p.Arg97Cys; replaces arginine 97 with cysteine.
Molecular consequence: missense variant.
Genome position (GRCh38, 1-based): chr17:29,475,754, C>T. VCF-style: chr17-29475754-C-T. GRCh37 (hg19) VCF-style: chr17-27802772-C-T.
Other names: c.289C>T, p.Arg97Cys (NM_025142.1); short protein forms R97C.
Identifiers: ClinVar variation 1805704 (VCV001805704.1), dbSNP rs2508195356, ClinGen allele CA399188449.